The following is an entry in ClinVar:

NM_001048174.2(MUTYH):c.1543A>T (p.Ser515Cys)

Gene: MUTYH (mutY DNA glycosylase; minus strand). Cytogenetic location: 1p34.1.
Variant type: single nucleotide variant.
Coding change: c.1543A>T on transcript NM_001048174.2 (MANE Select); coding-DNA position 1543, A replaced by T.
Protein change: p.Ser515Cys; replaces serine 515 with cysteine.
Molecular consequence: missense variant. On other transcripts: non-coding transcript variant (7).
Genome position (GRCh38, 1-based): chr1:45,329,329, T>A on the plus strand (A>T on the coding strand, the complement: MUTYH is on the minus strand). VCF-style: chr1-45329329-T-A. GRCh37 (hg19) VCF-style: chr1-45795001-T-A.
Other names: c.1543A>T, p.Ser515Cys (NM_001048171.2, NM_001048173.2, NM_001293195.2 and 6 more transcripts); c.1546A>T, p.Ser516Cys (NM_001048172.2, NM_001407071.1, NM_001407078.1 and 1 more transcripts); c.1627A>T, p.Ser543Cys (NM_001128425.2); c.1588A>T, p.Ser530Cys (NM_001293190.2); c.1576A>T, p.Ser526Cys (NM_001293191.2, NM_001407069.1, NM_001407077.1); c.1267A>T, p.Ser423Cys (NM_001293192.2, NM_001293196.2, NM_001407091.1); c.1198A>T, p.Ser400Cys (NM_001350650.2, NM_001350651.2, NM_001407082.1); c.1459A>T, p.Ser487Cys (NM_001407075.1); and 5 more; short protein forms S423C, S515C, S400C, S487C, S501C, S529C, S540C, S516C.
Identifiers: ClinVar variation 4113462 (VCV004113462.1).

ClinVar aggregate classification (germline): Uncertain significance (1 of 4 stars; one submission).

Conditions:
Hereditary cancer-predisposing syndrome. Also called: Hereditary neoplastic syndrome; Neoplastic Syndromes, Hereditary; Tumor predisposition; Hereditary Cancer Syndrome. Identifiers: Orphanet 140162, MedGen C0027672, MeSH D009386, MONDO:0015356.

Submission:

Ambry Genetics
Classification: Uncertain significance for Hereditary cancer-predisposing syndrome. Last evaluated: 2025-08-27. Review status: criteria provided, single submitter. Criteria: Ambry Variant Classification Scheme 2023. Collection method: clinical testing. Allele origin: germline.
Comment: The p.S543C variant (also known as c.1627A>T), located in coding exon 16 of the MUTYH gene, results from an A to T substitution at nucleotide position 1627. The serine at codon 543 is replaced by cysteine, an amino acid with dissimilar properties. This amino acid position is conserved. In addition, this alteration is predicted to be tolerated by in silico analysis. Based on the available evidence, the clinical significance of this variant remains unclear.